The following is an entry in ClinVar:

NM_015072.5(TTLL5):c.2269A>G (p.Ile757Val)

Gene: TTLL5 (tubulin tyrosine ligase like 5; plus strand). Cytogenetic location: 14q24.3.
Variant type: single nucleotide variant.
Coding change: c.2269A>G on transcript NM_015072.5 (MANE Select); coding-DNA position 2269, A replaced by G.
Protein change: p.Ile757Val; replaces isoleucine 757 with valine.
Molecular consequence: missense variant.
Genome position (GRCh38, 1-based): chr14:75,775,616, A>G. VCF-style: chr14-75775616-A-G. GRCh37 (hg19) VCF-style: chr14-76241959-A-G.
Other names: short protein forms I757V.
Identifiers: ClinVar variation 3463675 (VCV003463675.3).
Genomic context (GRCh38, chr14:75,775,616, plus strand): 5'-CGACGATTGGCACTTCTGGAACGCAGAAGAATCCTGGCCCACCAGCTGGGTGACTTTATC[A>G]TTGTATACAACAAGGTAAGTCTTTTTCTGTTAGTCTTGTGCTTTGGATTGCCATACACTG-3'
Protein context (NP_055887.3, residues 747-767): ILAHQLGDFI[Ile757Val]VYNKETEQMA

ClinVar aggregate classification (germline): Uncertain significance. Review status: criteria provided, multiple submitters, no conflicts (2 of 4 stars). 2 submissions from 2 submitters: Uncertain significance (2). Last evaluated 2024-08-29.

Conditions:
Cone-rod dystrophy 19 (CORD19). Identifiers: Orphanet 1872, MedGen C4014501, MONDO:0014372, OMIM 615860.
Inborn genetic diseases. Identifiers: MedGen C0950123, MeSH D030342.

Submissions (2):

Ambry Genetics
Classification: Uncertain significance for Inborn genetic diseases. Last evaluated: 2024-08-29. Review status: criteria provided, single submitter. Criteria: Ambry Variant Classification Scheme 2023. Collection method: clinical testing. Allele origin: germline.

Blueprint Genetics
Classification: Uncertain significance. Last evaluated: 2022-08-17. Review status: criteria provided, single submitter. Criteria: ACMG Guidelines, 2015. Collection method: clinical testing. Allele origin: germline.